The following is an entry in ClinVar:

ClinVar aggregate classification (germline): Uncertain significance (1 of 4 stars; one submission).

Allele frequency attached by ClinVar (database versions not stated): gnomAD exomes below 0.00001; TOPMed below 0.00001; gnomAD 0.00001.
gnomAD v4.1: 3 of 1,614,112 alleles (0.00019%); highest among the groups gnomAD compares: Middle Eastern, 0.016%; no homozygotes.

Submission:

CeGaT Center for Human Genetics Tuebingen
Classification: Uncertain significance. Last evaluated: 2023-08-01. Review status: criteria provided, single submitter. Criteria: CeGaT Center For Human Genetics Tuebingen Variant Classification Criteria Version 2. Collection method: clinical testing. Allele origin: germline. Affected: yes. Observed: 1 variant allele.
Comment: ENO3: PM2

NM_053013.4(ENO3):c.529T>C (p.Ser177Pro)

Gene: ENO3 (enolase 3; plus strand). Cytogenetic location: 17p13.2.
Variant type: single nucleotide variant.
Coding change: c.529T>C on transcript NM_053013.4 (MANE Select); coding-DNA position 529, T replaced by C.
Protein change: p.Ser177Pro; replaces serine 177 with proline.
Molecular consequence: missense variant.
Genome position (GRCh38, 1-based): chr17:4,955,159, T>C. VCF-style: chr17-4955159-T-C. GRCh37 (hg19) VCF-style: chr17-4858454-T-C.
Other names: c.400T>C, p.Ser134Pro (NM_001193503.2); c.529T>C, p.Ser177Pro (NM_001374523.1, NM_001976.5); c.556T>C, p.Ser186Pro (NM_001374524.1); short protein forms S134P, S177P, S186P.
Identifiers: ClinVar variation 2647279 (VCV002647279.24), dbSNP rs1330078646, ClinGen allele CA397289926.
Genomic context (GRCh38, chr17:4,955,159, plus strand): 5'-TCCCATGCTGGAAACAAGCTGGCCATGCAGGAGTTCATGATTCTGCCTGTGGGAGCCAGC[T>C]CCTTCAAGGAAGCCATGCGCATTGGCGCCGAGGTCTACCACCACCTCAAGGGGGTCATCA-3'
Protein context (NP_443739.3, residues 167-187): EFMILPVGAS[Ser177Pro]FKEAMRIGAE